The following is an entry in ClinVar:

NM_000152.5(GAA):c.1376_1377del (p.Asp459fs)

Gene: GAA (alpha glucosidase; plus strand). Cytogenetic location: 17q25.3.
Variant type: Deletion.
Coding change: c.1376_1377del on transcript NM_000152.5 (MANE Select); coding-DNA positions 1376 to 1377, 2 bases deleted (AC; older notation c.1376_1377delAC).
Protein change: p.Asp459fs; shifts the reading frame from aspartic acid 459.
Molecular consequence: frameshift variant.
Genome position (GRCh38, 1-based): chr17:80,109,994-80,109,995, AC deleted. VCF-style (leftmost placement, unchanged base first): chr17-80109993-GAC-G. GRCh37 (hg19) VCF-style: chr17-78083792-GAC-G.
Other names: c.1376_1377del, p.Asp459fs (NM_001079803.3, NM_001079804.3); short protein forms D459fs.
Identifiers: ClinVar variation 1453600 (VCV001453600.6), dbSNP rs2143866321, ClinGen allele CA2573154966.

ClinVar aggregate classification (germline): Pathogenic (1 of 4 stars; one submission).

Conditions:
Glycogen storage disease, type II (IOPD). Also called: Glucosidase acid-1,4-alpha deficiency; GLYCOGENOSIS, GENERALIZED, CARDIAC FORM; GSD II; POMPE DISEASE, INFANTILE-ONSET; Pompe Disease; Glycogen storage disease type 2. Identifiers: Orphanet 365, MedGen C0017921, MONDO:0009290, OMIM 232300.

Submission:

Labcorp Genetics (formerly Invitae), Labcorp
Classification: Pathogenic for Glycogen storage disease, type II. Last evaluated: 2020-12-15. Review status: criteria provided, single submitter. Criteria: Invitae Variant Classification Sherloc (09022015). Collection method: clinical testing. Allele origin: germline.
Comment: For these reasons, this variant has been classified as Pathogenic. This variant has not been reported in the literature in individuals with GAA-related conditions. This variant is not present in population databases (ExAC no frequency). This sequence change creates a premature translational stop signal (p.Asp459Glyfs*46) in the GAA gene. It is expected to result in an absent or disrupted protein product. Loss-of-function variants in GAA are known to be pathogenic (PMID: 18425781, 22252923).

Literature cited by the submitters: PubMed 18425781; PubMed 22252923.